The following is an entry in ClinVar:

ClinVar aggregate classification (germline): Conflicting classifications of pathogenicity. Review status: criteria provided, conflicting classifications (1 of 4 stars). 12 submissions from 12 submitters: Uncertain significance (2); Benign (3); Likely benign (6). 1 of the submissions does not count toward it. Last evaluated 2026-01-27.

Conditions:
TTN-related disorder. Also called: TTN-related condition; TTN-related disease; TTN-related disorders.
Cardiovascular phenotype. Identifiers: MedGen CN230736.
Dilated cardiomyopathy 1G (CMD1G). Identifiers: Orphanet 154, MedGen C1858763, MONDO:0011400, OMIM 604145.
Autosomal recessive limb-girdle muscular dystrophy type 2J (LGMDR10). Also called: Limb-girdle muscular dystrophy, type 2J; MUSCULAR DYSTROPHY, LIMB-GIRDLE, AUTOSOMAL RECESSIVE 10. Identifiers: Orphanet 140922, MedGen C1837342, MONDO:0012127, OMIM 608807.
Atrial fibrillation. Identifiers: MedGen C0004238, MONDO:0004981, HP:0005110.
Cardiomyopathy (CMYO). Also called: Cardiomyopathies. Identifiers: Orphanet 167848, MedGen C0878544, MONDO:0004994, HP:0001638. Inheritance: Various modes of inheritance.

Allele frequency attached by ClinVar (database versions not stated): ESP Exome Variant Server 0.00008; gnomAD exomes 0.00013 and 0.00051; TOPMed 0.00022; gnomAD 0.00028 and 0.00037; ExAC 0.00047; 1000 Genomes Project 30x 0.00109; 1000 Genomes Project 0.00140.
gnomAD v4.1: 301 of 1,614,042 alleles (0.019%); highest among the groups gnomAD compares: East Asian, 0.32%; no homozygotes.

Submissions (12):

Labcorp Genetics (formerly Invitae), Labcorp
Classification: Benign for Dilated cardiomyopathy 1G; Autosomal recessive limb-girdle muscular dystrophy type 2J. Last evaluated: 2026-01-27. Review status: criteria provided, single submitter. Criteria: Invitae Variant Classification Sherloc (09022015). Collection method: clinical testing. Allele origin: germline.

CeGaT Center for Human Genetics Tuebingen
Classification: Likely benign. Last evaluated: 2025-11-01. Review status: criteria provided, single submitter. Criteria: CeGaT Center For Human Genetics Tuebingen Variant Classification Criteria Version 2. Collection method: clinical testing. Allele origin: germline. Affected: yes. Observed: 3 variant alleles.
Comment: TTN: BS2

Blueprint Genetics
Classification: Likely benign. Last evaluated: 2024-10-22. Review status: criteria provided, single submitter. Criteria: ACMG Guidelines, 2015. Collection method: clinical testing. Allele origin: germline.

Women's Health and Genetics/Laboratory Corporation of America, LabCorp
Classification: Likely benign. Last evaluated: 2022-05-28. Review status: criteria provided, single submitter. Criteria: LabCorp Variant Classification Summary - May 2015. Collection method: clinical testing. Allele origin: germline.

Athena Diagnostics
Classification: Benign. Last evaluated: 2021-05-05. Review status: criteria provided, single submitter. Criteria: Athena Diagnostics criteria. Collection method: clinical testing. Allele origin: unknown.

CHEO Genetics Diagnostic Laboratory, Children's Hospital of Eastern Ontario
Classification: Benign for Cardiomyopathy. Last evaluated: 2020-10-27. Review status: criteria provided, single submitter. Criteria: ACMG Guidelines, 2015. Collection method: clinical testing. Allele origin: germline.

GeneDx
Classification: Likely benign. Last evaluated: 2020-10-08. Review status: criteria provided, single submitter. Criteria: GeneDx Variant Classification Process June 2021. Collection method: clinical testing. Allele origin: germline. Affected: yes.

Ambry Genetics
Classification: Likely benign for Cardiovascular phenotype. Last evaluated: 2018-11-20. Review status: criteria provided, single submitter. Criteria: Ambry Variant Classification Scheme 2023. Collection method: clinical testing. Allele origin: germline.

Center for Advanced Laboratory Medicine, UC San Diego Health, University of California San Diego
Classification: Likely benign for Atrial fibrillation. Last evaluated: 2018-05-26. Review status: criteria provided, single submitter. Criteria: ACMG Guidelines, 2015. Collection method: clinical testing. Allele origin: germline. Affected: yes. Observed: 1 variant allele.

ARUP Laboratories, Molecular Genetics and Genomics, ARUP Laboratories
Classification: Uncertain significance. Last evaluated: 2017-03-11. Review status: criteria provided, single submitter. Criteria: ARUP Molecular Germline Variant Investigation Process. Collection method: clinical testing. Allele origin: germline.

Laboratory for Molecular Medicine, Mass General Brigham Personalized Medicine
Classification: Uncertain significance. Last evaluated: 2014-07-03. Review status: criteria provided, single submitter. Criteria: LMM Criteria. Collection method: clinical testing. Allele origin: germline. Observed: 3 variant alleles.
Comment: Comp utational prediction tools and conservation analysis do not provide strong suppo rt for or against an impact to the protein. In summary, the clinical significanc e of the Arg1453Ser variant is uncertain.

PreventionGenetics, part of Exact Sciences
Classification: Likely benign for TTN-related condition. Last evaluated: 2022-04-05. Review status: no assertion criteria provided. Collection method: clinical testing. Allele origin: germline. Not counted in ClinVar's aggregate classification.
Comment: This variant is classified as likely benign based on ACMG/AMP sequence variant interpretation guidelines (Richards et al. 2015 PMID: 25741868, with internal and published modifications).

Literature cited by the submitters: PubMed 23396983 (cited by Ambry Genetics).

NM_001267550.2(TTN):c.4359A>T (p.Arg1453Ser)

Genes: TTN (titin; minus strand), LOC101927055 (uncharacterized LOC101927055; plus strand). Cytogenetic location: 2q31.2.
Variant type: single nucleotide variant.
Coding change: c.4359A>T on transcript NM_001267550.2 (MANE Select); coding-DNA position 4359, A replaced by T.
Protein change: p.Arg1453Ser; replaces arginine 1453 with serine.
Molecular consequence: missense variant. On other transcripts: non-coding transcript variant (1).
Genome position (GRCh38, 1-based): chr2:178,777,825, T>A on the plus strand (A>T on the coding strand, the complement: TTN is on the minus strand). VCF-style: chr2-178777825-T-A. GRCh37 (hg19) VCF-style: chr2-179642552-T-A.
Other names: p.R1453S:AGA>AGT; c.4359A>T, p.Arg1453Ser (NM_001256850.1, NM_133378.4, NM_133379.5); c.4221A>T, p.Arg1407Ser (NM_003319.4, NM_133432.3, NM_133437.4); c.4359A>T (NM_001267550.1); short protein forms R1453S, R1407S.
Identifiers: ClinVar variation 47051 (VCV000047051.58), dbSNP rs376857956, ClinGen allele CA139860.